The following is an entry in ClinVar:

ClinVar aggregate classification (germline): Pathogenic/Likely pathogenic. Review status: criteria provided, multiple submitters, no conflicts (2 of 4 stars). 2 submissions from 2 submitters: Pathogenic (1); Likely pathogenic (1). Last evaluated 2024-10-26.

Conditions:
HPS4-related disorder. Also called: HPS4-related condition.

Submissions (2):

PreventionGenetics, part of Exact Sciences
Classification: Likely pathogenic for HPS4-related condition. Last evaluated: 2024-10-26. Review status: criteria provided, single submitter. Criteria: ACMG Guidelines, 2015. Collection method: clinical testing. Allele origin: germline.
Comment: The HPS4 c.1217_1218delTC variant is predicted to result in a frameshift and premature protein termination (p.Leu406Glnfs*12). To our knowledge, this variant has not been reported in the literature. This variant has not been reported in a large population database (gnomAD), indicating this variant is rare. Frameshift variants in HPS4 are expected to be pathogenic. This variant is interpreted as likely pathogenic.

Labcorp Genetics (formerly Invitae), Labcorp
Classification: Pathogenic. Last evaluated: 2023-10-22. Review status: criteria provided, single submitter. Criteria: Invitae Variant Classification Sherloc (09022015). Collection method: clinical testing. Allele origin: germline.
Comment: This sequence change creates a premature translational stop signal (p.Leu406Glnfs*12) in the HPS4 gene. It is expected to result in an absent or disrupted protein product. Loss-of-function variants in HPS4 are known to be pathogenic (PMID: 12664304). This variant is not present in population databases (gnomAD no frequency). This variant has not been reported in the literature in individuals affected with HPS4-related conditions. For these reasons, this variant has been classified as Pathogenic.

Literature cited by the submitters: PubMed 12664304 (cited by Labcorp Genetics (formerly Invitae), Labcorp).

NM_022081.6(HPS4):c.1217_1218del (p.Leu406fs)

Gene: HPS4 (HPS4 biogenesis of lysosomal organelles complex 3 subunit 2; minus strand). Cytogenetic location: 22q12.1.
Variant type: Microsatellite.
Coding change: c.1217_1218del on transcript NM_022081.6 (MANE Select); coding-DNA positions 1217 to 1218, 2 bases deleted (TC; older notation c.1217_1218delTC).
Protein change: p.Leu406fs; shifts the reading frame from leucine 406.
Molecular consequence: frameshift variant. On other transcripts: non-coding transcript variant (8).
Genome position (GRCh38, 1-based): chr22:26,464,412-26,464,413, GA deleted on the plus strand (TC on the coding strand, the reverse complement: HPS4 is on the minus strand); deleting any 2 consecutive bases within chr22:26,464,412-26,464,417 gives the same sequence; the c. name uses the placement nearest the transcript's 3' end. VCF-style (leftmost placement, unchanged base first): chr22-26464411-TGA-T. GRCh37 (hg19) VCF-style: chr22-26860377-TGA-T.
Other names: c.1217_1218del, p.Leu406fs (NM_001349896.1, NM_001349898.2, NM_001349899.2 and 5 more transcripts); c.1271_1272del, p.Leu424fs (NM_001349900.2, NM_001349901.1); c.1213_1214TC[2], p.Leu406Glnfs (NM_022081.5); c.1202_1203del, p.Leu401fs (NM_152841.2); c.1217_1218delTC (NM_022081.5); short protein forms L401fs, L406fs, L424fs.
Identifiers: ClinVar variation 2799506 (VCV002799506.4), dbSNP rs2146553083, ClinGen allele CA2655896028.
Genomic context (GRCh38, chr22:26,464,411, plus strand): 5'-GGCGCAAGCTGCTGATGGCTGTGTCCTCAGGAGGCGTGGGTTCCAGGCTGCTGGAGGCGC[TGA>T]GAGATGCCTTGCAGTAAGGAGCCCTGCCATCTGGAACAGGCACATGTAGGAAGGCAAAAT-3'